The following is an entry in ClinVar:

ClinVar aggregate classification (germline): Benign. Review status: criteria provided, multiple submitters, no conflicts (2 of 4 stars). 5 submissions from 5 submitters: Benign (5). Last evaluated 2026-02-04.

Conditions:
Immunodeficiency due to CD25 deficiency. Also called: CD25 DEFICIENCY; IL2RA DEFICIENCY; IMMUNODEFICIENCY 41 WITH LYMPHOPROLIFERATION AND AUTOIMMUNITY. Identifiers: Orphanet 169100, MedGen C1853392, MONDO:0011664, OMIM 606367.

Allele frequency attached by ClinVar (database versions not stated): ESP Exome Variant Server 0.29686; gnomAD 0.30992 and 0.31345; 1000 Genomes Project 30x 0.31683; 1000 Genomes Project 0.32029; TOPMed 0.32357; ExAC 0.36075; gnomAD exomes 0.36407 and 0.37492.
gnomAD v4.1: 562,086 of 1,567,342 alleles (36%); highest among the groups gnomAD compares: Admixed American, 55%; 105,437 homozygotes.

Submissions (5):

Labcorp Genetics (formerly Invitae), Labcorp
Classification: Benign for Immunodeficiency due to CD25 deficiency. Last evaluated: 2026-02-04. Review status: criteria provided, single submitter. Criteria: Invitae Variant Classification Sherloc (09022015). Collection method: clinical testing. Allele origin: germline.

Blueprint Genetics
Classification: Benign. Last evaluated: 2024-11-27. Review status: criteria provided, single submitter. Criteria: ACMG Guidelines, 2015. Collection method: clinical testing. Allele origin: germline.

Unidad de Genómica Garrahan, Hospital de Pediatría Garrahan
Classification: Benign. Last evaluated: 2023-11-12. Review status: criteria provided, single submitter. Criteria: ACMG Guidelines, 2015. Collection method: clinical testing. Allele origin: germline. Affected: no. Observed: 76 variant alleles.
Comment: This variant is classified as Benign based on local population frequency. This variant was detected in 79% of patients studied by a panel of primary immunodeficiencies. Number of patients: 76. Only high quality variants are reported.

Illumina Laboratory Services, Illumina
Classification: Benign for Immunodeficiency due to CD25 deficiency. Last evaluated: 2018-01-12. Review status: criteria provided, single submitter. Criteria: ICSL Variant Classification Criteria 13 December 2019. Collection method: clinical testing. Allele origin: germline.
Comment: This variant was observed in the ICSL laboratory as part of a predisposition screen in an ostensibly healthy population. It had not been previously curated by ICSL or reported in the Human Gene Mutation Database (HGMD: prior to June 1st, 2018), and was therefore a candidate for classification through an automated scoring system. Utilizing variant allele frequency, disease prevalence and penetrance estimates, and inheritance mode, an automated score was calculated to assess if this variant is too frequent to cause the disease. Based on the score and internal cut-off values, a variant classified as benign is not then subjected to further curation. The score for this variant resulted in a classification of benign for this disease.

Breakthrough Genomics
Classification: Benign. Review status: criteria provided, single submitter. Criteria: ACMG Guidelines, 2015. Collection method: not provided. Allele origin: germline. Inheritance: Autosomal recessive inheritance. Affected: yes.

NM_000417.3(IL2RA):c.367+12A>T

Gene: IL2RA (interleukin 2 receptor subunit alpha; minus strand). Cytogenetic location: 10p15.1.
Variant type: single nucleotide variant.
Coding change: c.367+12A>T on transcript NM_000417.3 (MANE Select); 12 bases into the intron after coding-DNA position 367, A replaced by T.
Molecular consequence: intron variant.
Genome position (GRCh38, 1-based): chr10:6,024,232, T>A on the plus strand (A>T on the coding strand, the complement: IL2RA is on the minus strand). VCF-style: chr10-6024232-T-A. GRCh37 (hg19) VCF-style: chr10-6066195-T-A.
Other names: c.367+12A>T (NM_001308243.2, NM_001308242.2).
Identifiers: ClinVar variation 300258 (VCV000300258.17), dbSNP rs12358961, ClinGen allele CA5397480.